The following is an entry in ClinVar:

ClinVar aggregate classification (germline): Likely pathogenic (1 of 4 stars; one submission).

Submission:

Labcorp Genetics (formerly Invitae), Labcorp
Classification: Likely pathogenic. Last evaluated: 2024-06-05. Review status: criteria provided, single submitter. Criteria: Invitae Variant Classification Sherloc (09022015). Collection method: clinical testing. Allele origin: germline.
Comment: This sequence change affects a donor splice site in intron 4 of the SERPINB7 gene. It is expected to disrupt RNA splicing. Variants that disrupt the donor or acceptor splice site typically lead to a loss of protein function (PMID: 16199547), and loss-of-function variants in SERPINB7 are known to be pathogenic (PMID: 27569382, 28439958, 30256384). This variant is not present in population databases (gnomAD no frequency). Disruption of this splice site has been observed in individual(s) with palmoplantar keratoderma (PMID: 24773080). Algorithms developed to predict the effect of sequence changes on RNA splicing suggest that this variant may disrupt the consensus splice site. In summary, the currently available evidence indicates that the variant is pathogenic, but additional data are needed to prove that conclusively. Therefore, this variant has been classified as Likely Pathogenic.

Literature cited by the submitters: PubMed 16199547; PubMed 27569382; PubMed 28439958; PubMed 30256384; PubMed 24773080.

NM_003784.4(SERPINB7):c.336+2T>G

Gene: SERPINB7 (serpin family B member 7; plus strand). Cytogenetic location: 18q21.33.
Variant type: single nucleotide variant.
Coding change: c.336+2T>G on transcript NM_003784.4 (MANE Select); the canonical splice donor site of the intron after coding-DNA position 336, T replaced by G.
Molecular consequence: splice donor variant.
Genome position (GRCh38, 1-based): chr18:63,793,279, T>G. VCF-style: chr18-63793279-T-G. GRCh37 (hg19) VCF-style: chr18-61460513-T-G.
Other names: c.336+2T>G (NM_001040147.3, NM_001261830.2); c.285+2T>G (NM_001261831.2).
Identifiers: ClinVar variation 3723186 (VCV003723186.2).